The following is an entry in ClinVar:

NM_014324.6(AMACR):c.616G>A (p.Ala206Thr)

Genes: AMACR (alpha-methylacyl-CoA racemase; minus strand), C1QTNF3-AMACR (C1QTNF3-AMACR readthrough (NMD candidate); minus strand). Cytogenetic location: 5p13.2.
Variant type: single nucleotide variant.
Coding change: c.616G>A on transcript NM_014324.6 (MANE Select); coding-DNA position 616, G replaced by A.
Protein change: p.Ala206Thr; replaces alanine 206 with threonine.
Molecular consequence: missense variant. On other transcripts: non-coding transcript variant (1).
Genome position (GRCh38, 1-based): chr5:33,998,764, C>T on the plus strand (G>A on the coding strand, the complement: AMACR is on the minus strand). VCF-style: chr5-33998764-C-T. GRCh37 (hg19) VCF-style: chr5-33998869-C-T.
Other names: c.616G>A, p.Ala206Thr (NM_001167595.2); c.455G>A, p.Ser152Asn (NM_203382.3); short protein forms S152N, A206T.
Identifiers: ClinVar variation 2016505 (VCV002016505.4), dbSNP rs2112054843, ClinGen allele CA359381576.

ClinVar aggregate classification (germline): Uncertain significance (1 of 4 stars; one submission).

Conditions:
Alpha-methylacyl-CoA racemase deficiency (AMACRD). Also called: AMACR deficiency. Identifiers: Orphanet 79095, MedGen C3280428, MONDO:0013681, OMIM 614307. Disease mechanism: loss of function.

Submission:

Labcorp Genetics (formerly Invitae), Labcorp
Classification: Uncertain significance for Alpha-methylacyl-CoA racemase deficiency. Last evaluated: 2022-07-13. Review status: criteria provided, single submitter. Criteria: Invitae Variant Classification Sherloc (09022015). Collection method: clinical testing. Allele origin: germline.
Comment: This sequence change replaces alanine, which is neutral and non-polar, with threonine, which is neutral and polar, at codon 206 of the AMACR protein (p.Ala206Thr). This variant is not present in population databases (gnomAD no frequency). This variant has not been reported in the literature in individuals affected with AMACR-related conditions. Algorithms developed to predict the effect of missense changes on protein structure and function (SIFT, PolyPhen-2, Align-GVGD) all suggest that this variant is likely to be tolerated. In summary, the available evidence is currently insufficient to determine the role of this variant in disease. Therefore, it has been classified as a Variant of Uncertain Significance.